The following is an entry in ClinVar:

ClinVar aggregate classification (germline): Pathogenic. Review status: criteria provided, multiple submitters, no conflicts (2 of 4 stars). 3 submissions from 3 submitters: Pathogenic (3). Last evaluated 2022-07-18.

Submissions (3):

Labcorp Genetics (formerly Invitae), Labcorp
Classification: Pathogenic. Last evaluated: 2022-07-18. Review status: criteria provided, single submitter. Criteria: Invitae Variant Classification Sherloc (09022015). Collection method: clinical testing. Allele origin: germline.
Comment: This sequence change affects a donor splice site in intron 16 of the COL2A1 gene. It is expected to disrupt RNA splicing. Variants that disrupt the donor or acceptor splice site typically lead to a loss of protein function (PMID: 16199547), and loss-of-function variants in COL2A1 are known to be pathogenic (PMID: 20179744). This variant is not present in population databases (gnomAD no frequency). Disruption of this splice site has been observed in individual(s) with Kniest dysplasia (PMID: 17347327, 26345137). In at least one individual the variant was observed to be de novo. ClinVar contains an entry for this variant (Variation ID: 288046). Algorithms developed to predict the effect of sequence changes on RNA splicing suggest that this variant may disrupt the consensus splice site. For these reasons, this variant has been classified as Pathogenic.

GeneDx
Classification: Pathogenic. Last evaluated: 2022-06-20. Review status: criteria provided, single submitter. Criteria: GeneDx Variant Classification Process June 2021. Collection method: clinical testing. Allele origin: germline. Affected: yes.
Comment: Identified in an individual with Kniest dysplasia (Hochart A et al., 2015); Canonical splice site variant expected to result in aberrant splicing, although in the absence of functional evidence the actual effect of this sequence change is unknown.; Not observed at significant frequency in large population cohorts (gnomAD); This variant is associated with the following publications: (PMID: 26345137)

Eurofins Ntd Llc (ga)
Classification: Pathogenic. Last evaluated: 2016-05-16. Review status: criteria provided, single submitter. Criteria: EGL Classification Definitions 2015. Collection method: clinical testing. Allele origin: germline. Observed: 1 variant allele, 1 heterozygote.

Literature cited by the submitters: PubMed 16199547 (cited by Labcorp Genetics (formerly Invitae), Labcorp); PubMed 20179744 (cited by Labcorp Genetics (formerly Invitae), Labcorp); PubMed 17347327 (cited by Labcorp Genetics (formerly Invitae), Labcorp); PubMed 26345137 (cited by Labcorp Genetics (formerly Invitae), Labcorp).

NM_001844.5(COL2A1):c.1023+1G>A

Gene: COL2A1 (collagen type II alpha 1 chain; minus strand). Cytogenetic location: 12q13.11.
Variant type: single nucleotide variant.
Coding change: c.1023+1G>A on transcript NM_001844.5 (MANE Select); the canonical splice donor site of the intron after coding-DNA position 1023, G replaced by A.
Molecular consequence: splice donor variant.
Genome position (GRCh38, 1-based): chr12:47,992,877, C>T on the plus strand (G>A on the coding strand, the complement: COL2A1 is on the minus strand). VCF-style: chr12-47992877-C-T. GRCh37 (hg19) VCF-style: chr12-48386660-C-T.
Other names: c.816+1G>A (NM_033150.3).
Identifiers: ClinVar variation 288046 (VCV000288046.11), dbSNP rs886043794, ClinGen allele CA10605953.